The following is an entry in ClinVar:

NM_031448.6(C19orf12):c.*1536T>C

Gene: C19orf12 (chromosome 19 open reading frame 12; minus strand). Cytogenetic location: 19q12.
Variant type: single nucleotide variant.
Coding change: c.*1536T>C on transcript NM_031448.6 (MANE Select); 1536 bases downstream of the stop codon, T replaced by C.
Molecular consequence: 3 prime UTR variant.
Genome position (GRCh38, 1-based): chr19:29,701,176, A>G on the plus strand (T>C on the coding strand, the complement: C19orf12 is on the minus strand). VCF-style: chr19-29701176-A-G. GRCh37 (hg19) VCF-style: chr19-30192083-A-G.
Other names: c.*1536T>C (NM_001031726.4, NM_001256047.2, NM_001282929.1 and 2 more transcripts); c.*1583T>C (NM_001256046.3).
Identifiers: ClinVar variation 328697 (VCV000328697.5), dbSNP rs182215624, ClinGen allele CA10652348.
Genomic context (GRCh38, chr19:29,701,176, plus strand): 5'-ACTTTGAATATTAGAGATATTTTACACATAATATGTGGGAAAATGGCTTTTTAGAAAAAC[A>G]TTTATTGTAATCGATCACATTCAAGTCGTAGTTCTGAAAGCAAAGTGAAAACACACAGTA-3'

ClinVar aggregate classification (germline): Likely benign (1 of 4 stars; one submission).

Conditions:
Neurodegeneration with brain iron accumulation 4 (NBIA4). Also called: MITOCHONDRIAL PROTEIN-ASSOCIATED NEURODEGENERATION. Identifiers: Orphanet 289560, MedGen C3280371, MONDO:0013674, OMIM 614298. Disease mechanism: loss of function.

Allele frequency attached by ClinVar (database versions not stated): gnomAD 0.00013; gnomAD exomes 0.00027; 1000 Genomes Project 0.00060; TOPMed 0.00061; 1000 Genomes Project 30x 0.00109.
gnomAD v4.1: 142 of 454,158 alleles (0.031%); highest among the groups gnomAD compares: Admixed American, 0.08%; no homozygotes.

Submission:

Illumina Laboratory Services, Illumina
Classification: Likely benign for Neurodegeneration with brain iron accumulation 4. Last evaluated: 2018-01-13. Review status: criteria provided, single submitter. Criteria: ICSL Variant Classification Criteria 13 December 2019. Collection method: clinical testing. Allele origin: germline.
Comment: This variant was observed in the ICSL laboratory as part of a predisposition screen in an ostensibly healthy population. It had not been previously curated by ICSL or reported in the Human Gene Mutation Database (HGMD: prior to June 1st, 2018), and was therefore a candidate for classification through an automated scoring system. Utilizing variant allele frequency, disease prevalence and penetrance estimates, and inheritance mode, an automated score was calculated to assess if this variant is too frequent to cause the disease. Based on the score and internal cut-off values, a variant classified as likely benign is not then subjected to further curation. The score for this variant resulted in a classification of likely benign for this disease.